The following is an entry in ClinVar:

ClinVar aggregate classification (germline): Uncertain significance. Review status: criteria provided, multiple submitters, no conflicts (2 of 4 stars). 2 submissions from 2 submitters: Uncertain significance (2). Last evaluated 2025-08-13.

Conditions:
PCNT-related disorder. Also called: PCNT-related condition.
Inborn genetic diseases. Identifiers: MedGen C0950123, MeSH D030342.

gnomAD v4.1: 2 of 1,610,028 alleles (0.00012%); highest among the groups gnomAD compares: Non-Finnish European, 0.00017%; no homozygotes.

Submissions (2):

Ambry Genetics
Classification: Uncertain significance for Inborn genetic diseases. Last evaluated: 2025-08-13. Review status: criteria provided, single submitter. Criteria: Ambry Variant Classification Scheme 2023. Collection method: clinical testing. Allele origin: germline.

PreventionGenetics, part of Exact Sciences
Classification: Uncertain significance for PCNT-related condition. Last evaluated: 2024-12-04. Review status: criteria provided, single submitter. Criteria: ACMG Guidelines, 2015. Collection method: clinical testing. Allele origin: germline.
Comment: The PCNT c.377C>G variant is predicted to result in the amino acid substitution p.Pro126Arg. To our knowledge, this variant has not been reported in the literature. This variant is reported in 0.0015% of alleles in individuals of European (Non-Finnish) descent in gnomAD. At this time, the clinical significance of this variant is uncertain due to the absence of conclusive functional and genetic evidence.

NM_006031.6(PCNT):c.377C>G (p.Pro126Arg)

Gene: PCNT (pericentrin; plus strand). Cytogenetic location: 21q22.3.
Variant type: single nucleotide variant.
Coding change: c.377C>G on transcript NM_006031.6 (MANE Select); coding-DNA position 377, C replaced by G.
Protein change: p.Pro126Arg; replaces proline 126 with arginine.
Molecular consequence: missense variant.
Genome position (GRCh38, 1-based): chr21:46,334,506, C>G. VCF-style: chr21-46334506-C-G. GRCh37 (hg19) VCF-style: chr21-47754420-C-G.
Other names: c.23C>G, p.Pro8Arg (NM_001315529.2); short protein forms P126R, P8R.
Identifiers: ClinVar variation 4133358 (VCV004133358.2).